The following is an entry in ClinVar:

NM_001042432.2(CLN3):c.47-2A>T

Gene: CLN3 (CLN3 lysosomal/endosomal transmembrane protein, battenin; minus strand). Cytogenetic location: 16p12.1.
Variant type: single nucleotide variant.
Coding change: c.47-2A>T on transcript NM_001042432.2 (MANE Select); the canonical splice acceptor site of the intron before coding-DNA position 47, A replaced by T.
Molecular consequence: splice acceptor variant. On other transcripts: intron variant (3).
Genome position (GRCh38, 1-based): chr16:28,491,562, T>A on the plus strand (A>T on the coding strand, the complement: CLN3 is on the minus strand). VCF-style: chr16-28491562-T-A. GRCh37 (hg19) VCF-style: chr16-28502883-T-A.
Other names: c.-38+152A>T (NM_001286109.2, NM_001286110.2); c.47-2A>T (NM_001286104.2, NM_000086.2); c.-96+152A>T (NM_001286105.2).
Identifiers: ClinVar variation 2844559 (VCV002844559.3), dbSNP rs2506527617, ClinGen allele CA395347182.

ClinVar aggregate classification (germline): Likely pathogenic (1 of 4 stars; one submission).

Conditions:
Neuronal ceroid lipofuscinosis. Also called: Neuronal Ceroid Lipofuscinoses. Identifiers: Orphanet 216, Orphanet 79263, MedGen C0027877, MONDO:0016295. Disease mechanism: loss of function.

Submission:

Labcorp Genetics (formerly Invitae), Labcorp
Classification: Likely pathogenic for Neuronal ceroid lipofuscinosis. Last evaluated: 2025-03-31. Review status: criteria provided, single submitter. Criteria: Invitae Variant Classification Sherloc (09022015). Collection method: clinical testing. Allele origin: germline.
Comment: This sequence change affects an acceptor splice site in intron 2 of the CLN3 gene. It is expected to disrupt RNA splicing. Variants that disrupt the donor or acceptor splice site typically lead to a loss of protein function (PMID: 16199547), and loss-of-function variants in CLN3 are known to be pathogenic (PMID: 9311735, 28542676). This variant is not present in population databases (gnomAD no frequency). This variant has not been reported in the literature in individuals affected with CLN3-related conditions. ClinVar contains an entry for this variant (Variation ID: 2844559). Algorithms developed to predict the effect of sequence changes on RNA splicing suggest that this variant may disrupt the consensus splice site. In summary, the currently available evidence indicates that the variant is pathogenic, but additional data are needed to prove that conclusively. Therefore, this variant has been classified as Likely Pathogenic.

Literature cited by the submitters: PubMed 16199547; PubMed 9311735; PubMed 28542676.